The following is an entry in ClinVar:

NM_005359.6(SMAD4):c.721G>A (p.Ala241Thr)

Gene: SMAD4 (SMAD family member 4; plus strand). Cytogenetic location: 18q21.2.
Variant type: single nucleotide variant.
Coding change: c.721G>A on transcript NM_005359.6 (MANE Select); coding-DNA position 721, G replaced by A.
Protein change: p.Ala241Thr; replaces alanine 241 with threonine.
Molecular consequence: missense variant.
Genome position (GRCh38, 1-based): chr18:51,058,178, G>A. VCF-style: chr18-51058178-G-A. GRCh37 (hg19) VCF-style: chr18-48584548-G-A.
Other names: short protein forms A241T.
Identifiers: ClinVar variation 801281 (VCV000801281.6), dbSNP rs1599189522, ClinGen allele CA402462808.

ClinVar aggregate classification (germline): Uncertain significance. Review status: criteria provided, multiple submitters, no conflicts (2 of 4 stars). 3 submissions from 3 submitters: Uncertain significance (3). Last evaluated 2023-07-27.

Conditions:
Hereditary cancer-predisposing syndrome. Also called: Tumor predisposition; Neoplastic Syndromes, Hereditary; Hereditary Cancer Syndrome; Hereditary neoplastic syndrome. Identifiers: Orphanet 140162, MedGen C0027672, MeSH D009386, MONDO:0015356.
Familial thoracic aortic aneurysm and aortic dissection (TAAD). Also called: Thoracic aortic aneurysms and dissections. Identifiers: Orphanet 91387, MedGen C4707243, MONDO:0019625.

Submissions (3):

Ambry Genetics
Classification: Uncertain significance for Hereditary cancer-predisposing syndrome; Familial thoracic aortic aneurysm and aortic dissection. Last evaluated: 2023-07-27. Review status: criteria provided, single submitter. Criteria: Ambry Variant Classification Scheme 2023. Collection method: clinical testing. Allele origin: germline.
Comment: The p.A241T variant (also known as c.721G>A), located in coding exon 5 of the SMAD4 gene, results from a G to A substitution at nucleotide position 721. The alanine at codon 241 is replaced by threonine, an amino acid with similar properties. This amino acid position is highly conserved in available vertebrate species. In addition, the in silico prediction for this alteration is inconclusive. Since supporting evidence is limited at this time, the clinical significance of this alteration remains unclear.

Color Diagnostics, LLC DBA Color Health
Classification: Uncertain significance for Hereditary cancer-predisposing syndrome. Last evaluated: 2019-07-01. Review status: criteria provided, single submitter. Criteria: ACMG Guidelines, 2015. Collection method: clinical testing. Allele origin: germline.

Quest Diagnostics Nichols Institute San Juan Capistrano
Classification: Uncertain significance. Last evaluated: 2018-12-28. Review status: criteria provided, single submitter. Criteria: Quest Diagnostics criteria. Collection method: clinical testing. Allele origin: germline.